The following is an entry in ClinVar:

ClinVar aggregate classification (germline): Uncertain significance (1 of 4 stars; one submission).

Submission:

Labcorp Genetics (formerly Invitae), Labcorp
Classification: Uncertain significance. Last evaluated: 2023-08-24. Review status: criteria provided, single submitter. Criteria: Invitae Variant Classification Sherloc (09022015). Collection method: clinical testing. Allele origin: unknown.
Comment: This variant has not been reported in the literature in individuals affected with A4GALT-related conditions. A gross deletion of the genomic region encompassing the full coding sequence of the A4GALT gene has been identified. The current clinical and genetic evidence is not sufficient to establish whether loss-of-function variants in A4GALT cause disease. The boundaries of this event are unknown as they extend beyond the assayed region for this gene and therefore may encompass additional genes. In summary, the available evidence is currently insufficient to determine the role of this variant in disease. Therefore, it has been classified as a Variant of Uncertain Significance.

NC_000022.10:g.(?_43086702)_(43089519_?)del

Gene: A4GALT (alpha 1,4-galactosyltransferase (P1PK blood group); minus strand). Cytogenetic location: 22q13.2.
Variant type: Deletion.
Identifiers: ClinVar variation 3248126 (VCV003248126.1).